The following is an entry in ClinVar:

ClinVar aggregate classification (germline): Uncertain significance (1 of 4 stars; one submission).

Submission:

Dasa
Classification: Uncertain significance. Last evaluated: 2025-08-26. Review status: criteria provided, single submitter. Criteria: DASA Assertion Criteria. Collection method: clinical testing. Allele origin: germline.
Comment: NM_001353345.2(SETD1B):c.3473G>A (p.Ser1158Asn) is a missense variant that results in the substitution of serine with asparagine. This variant is absent from population databases. The currently available literature and clinical evidence are not sufficient to establish a definitive association between this variant and the reported condition. Therefore, this variant is classified as a variant of uncertain significance.

NM_001353345.2(SETD1B):c.3473G>A (p.Ser1158Asn)

Gene: SETD1B (SET domain containing 1B, histone lysine methyltransferase; plus strand). Cytogenetic location: 12q24.31.
Variant type: single nucleotide variant.
Coding change: c.3473G>A on transcript NM_001353345.2 (MANE Select); coding-DNA position 3473, G replaced by A.
Protein change: p.Ser1158Asn; replaces serine 1158 with asparagine.
Molecular consequence: missense variant.
Genome position (GRCh38, 1-based): chr12:121,819,458, G>A. VCF-style: chr12-121819458-G-A. GRCh37 (hg19) VCF-style: chr12-122257364-G-A.
Other names: short protein forms S1158N.
Identifiers: ClinVar variation 4882814 (VCV004882814.2).